The following is an entry in ClinVar:

ClinVar aggregate classification (germline): Likely pathogenic (1 of 4 stars; one submission).

Conditions:
Mirror movements 1 (MRMV1). Identifiers: Orphanet 238722, MedGen C1834870, OMIM 157600, MONDO:0008002.

Submission:

Greenwood Genetic Center Diagnostic Laboratories, Greenwood Genetic Center
Classification: Likely pathogenic for Mirror movements 1. Last evaluated: 2022-07-29. Review status: criteria provided, single submitter. Criteria: ACMG Guidelines, 2015. Collection method: clinical testing. Allele origin: germline. Affected: yes.
Comment: PVS1, PM2

NM_005215.4(DCC):c.2034_2038del (p.Asn678fs)

Gene: DCC (DCC netrin 1 receptor; plus strand). Cytogenetic location: 18q21.2.
Variant type: Deletion.
Coding change: c.2034_2038del on transcript NM_005215.4 (MANE Select); coding-DNA positions 2034 to 2038, 5 bases deleted (CCTCT; older notation c.2034_2038delCCTCT).
Protein change: p.Asn678fs; shifts the reading frame from asparagine 678.
Molecular consequence: frameshift variant.
Genome position (GRCh38, 1-based): chr18:53,305,700-53,305,704, CCTCT deleted. VCF-style (leftmost placement, unchanged base first): chr18-53305699-ACCTCT-A. GRCh37 (hg19) VCF-style: chr18-50832069-ACCTCT-A.
Other names: short protein forms N678fs.
Identifiers: ClinVar variation 1710471 (VCV001710471.3), dbSNP rs2511410848, ClinGen allele CA2580095837.
Genomic context (GRCh38, chr18:53,305,699, plus strand): 5'-ATAAAATTCGACACAGAAAGACGACCCGCAGGGGTGAGATGGAAACACTGGAGCCAAACA[ACCTCT>A]GGTACCTATTCACAGGTCAGTGTTCACATGGTGTAGTCTTGCAAGGTTTTGATGAATTAA-3'